The following is an entry in ClinVar:

ClinVar aggregate classification (germline): Benign (1 of 4 stars; one submission).

Allele frequency attached by ClinVar (database versions not stated): gnomAD 0.06862 and 0.07195; TOPMed 0.07600; 1000 Genomes Project 0.07987; 1000 Genomes Project 30x 0.08323.
gnomAD v4.1: 10,378 of 151,966 alleles (6.8%); highest among the groups gnomAD compares: African/African-American, 18%; 752 homozygotes.

Submission:

GeneDx
Classification: Benign. Last evaluated: 2018-06-16. Review status: criteria provided, single submitter. Criteria: GeneDx Variant Classification (06012015). Collection method: clinical testing. Allele origin: germline. Affected: yes.
Comment: This variant is considered likely benign or benign based on one or more of the following criteria: it is a conservative change, it occurs at a poorly conserved position in the protein, it is predicted to be benign by multiple in silico algorithms, and/or has population frequency not consistent with disease.

NM_020774.4(MIB1):c.1677+182G>A

Gene: MIB1 (MIB E3 ubiquitin protein ligase 1; plus strand). Cytogenetic location: 18q11.2.
Variant type: single nucleotide variant.
Coding change: c.1677+182G>A on transcript NM_020774.4 (MANE Select); 182 bases into the intron after coding-DNA position 1677, G replaced by A.
Molecular consequence: intron variant.
Genome position (GRCh38, 1-based): chr18:21,815,995, G>A. VCF-style: chr18-21815995-G-A. GRCh37 (hg19) VCF-style: chr18-19395956-G-A.
Identifiers: ClinVar variation 678692 (VCV000678692.1), dbSNP rs2959512, ClinGen allele CA16552112.